The following is an entry in ClinVar:

NM_000245.4(MET):c.2157G>A (p.Glu719=)

Gene: MET (MET proto-oncogene, receptor tyrosine kinase; plus strand). Cytogenetic location: 7q31.2.
Variant type: single nucleotide variant.
Coding change: c.2157G>A on transcript NM_000245.4 (MANE Select); coding-DNA position 2157, G replaced by A.
Protein change: p.Glu719=; no amino-acid change (glutamic acid 719 retained).
Molecular consequence: synonymous variant.
Genome position (GRCh38, 1-based): chr7:116,758,513, G>A. VCF-style: chr7-116758513-G-A. GRCh37 (hg19) VCF-style: chr7-116398567-G-A.
Other names: c.2157G>A, p.Glu719= (NM_001127500.3, NM_001324401.3); c.867G>A, p.Glu289= (NM_001324402.2); c.2157G>A (NM_001127500.1).
Identifiers: ClinVar variation 1081088 (VCV001081088.11), dbSNP rs2116930988, ClinGen allele CA457216669.

ClinVar aggregate classification (germline): Benign/Likely benign. Review status: criteria provided, multiple submitters, no conflicts (2 of 4 stars). 3 submissions from 3 submitters: Benign (1); Likely benign (2). Last evaluated 2026-02-16.

Conditions:
Hereditary cancer-predisposing syndrome. Also called: Hereditary Cancer Syndrome; Neoplastic Syndromes, Hereditary; Tumor predisposition; Hereditary neoplastic syndrome. Identifiers: Orphanet 140162, MedGen C0027672, MeSH D009386, MONDO:0015356.
Papillary renal cell carcinoma type 1 (RCCP1). Also called: Renal adenocarcinoma; Renal cell carcinoma 1; Renal cell carcinoma, somatic; RENAL CELL CARCINOMA, PAPILLARY, 1, SOMATIC. Identifiers: Orphanet 47044, MedGen C1336839, OMIM 605074, HP:0011797.
Renal cell carcinoma. Identifiers: Orphanet 217071, MedGen C0007134, MeSH D002292, MONDO:0005086, HP:0005584.

Submissions (3):

Ambry Genetics
Classification: Likely benign for Hereditary cancer-predisposing syndrome. Last evaluated: 2026-02-16. Review status: criteria provided, single submitter. Criteria: Ambry Variant Classification Scheme 2023. Collection method: clinical testing. Allele origin: germline.

Myriad Genetics, Inc.
Classification: Benign for Papillary renal cell carcinoma type 1. Last evaluated: 2024-11-08. Review status: criteria provided, single submitter. Criteria: Myriad Autosomal Dominant, Autosomal Recessive and X-Linked Classification Criteria (2023). Collection method: clinical testing. Allele origin: unknown.
Comment: This variant is considered benign. This variant is a silent/synonymous amino acid change and it is not expected to impact splicing.

Labcorp Genetics (formerly Invitae), Labcorp
Classification: Likely benign for Renal cell carcinoma. Last evaluated: 2020-03-28. Review status: criteria provided, single submitter. Criteria: Invitae Variant Classification Sherloc (09022015). Collection method: clinical testing. Allele origin: germline.